The following is an entry in ClinVar:

ClinVar aggregate classification (germline): Uncertain significance (1 of 4 stars; one submission).

Conditions:
Combined immunodeficiency due to LRBA deficiency. Also called: Common variable immunodeficiency 8, with autoimmunity. Identifiers: Orphanet 445018, MedGen C3553512, MONDO:0013863, OMIM 614700.

Allele frequency attached by ClinVar (database versions not stated): gnomAD exomes below 0.00001 and 0.00001; ExAC 0.00001.
gnomAD v4.1: 11 of 1,610,326 alleles (0.00068%); highest among the groups gnomAD compares: Non-Finnish European, 0.00093%; no homozygotes.

Submission:

Labcorp Genetics (formerly Invitae), Labcorp
Classification: Uncertain significance for Combined immunodeficiency due to LRBA deficiency. Last evaluated: 2021-05-06. Review status: criteria provided, single submitter. Criteria: Invitae Variant Classification Sherloc (09022015). Collection method: clinical testing. Allele origin: germline.
Comment: In summary, the available evidence is currently insufficient to determine the role of this variant in disease. Therefore, it has been classified as a Variant of Uncertain Significance. Algorithms developed to predict the effect of missense changes on protein structure and function are either unavailable or do not agree on the potential impact of this missense change (SIFT: "Tolerated"; PolyPhen-2: "Probably Damaging"; Align-GVGD: "Class C0"). This variant has not been reported in the literature in individuals with LRBA-related conditions. This variant is present in population databases (rs769597649, ExAC 0.002%). This sequence change replaces valine with leucine at codon 334 of the LRBA protein (p.Val334Leu). The valine residue is moderately conserved and there is a small physicochemical difference between valine and leucine.

NM_001364905.1(LRBA):c.1000G>C (p.Val334Leu)

Gene: LRBA (LPS responsive beige-like anchor protein; minus strand). Cytogenetic location: 4q31.3.
Variant type: single nucleotide variant.
Coding change: c.1000G>C on transcript NM_001364905.1 (MANE Select); coding-DNA position 1000, G replaced by C.
Protein change: p.Val334Leu; replaces valine 334 with leucine.
Molecular consequence: missense variant.
Genome position (GRCh38, 1-based): chr4:150,915,622, C>G on the plus strand (G>C on the coding strand, the complement: LRBA is on the minus strand). VCF-style: chr4-150915622-C-G. GRCh37 (hg19) VCF-style: chr4-151836774-C-G.
Other names: c.1000G>C, p.Val334Leu (NM_001199282.3, NM_001367550.1, NM_006726.5); short protein forms V334L.
Identifiers: ClinVar variation 1500587 (VCV001500587.8), dbSNP rs769597649, ClinGen allele CA3103704.